The following is an entry in ClinVar:

NC_000005.10:g.112707333G>A

Gene: APC (APC regulator of Wnt signaling pathway; plus strand). Cytogenetic location: 5q22.2.
Variant type: single nucleotide variant.
Genome position: GRCh38 VCF-style: chr5-112707333-G-A. GRCh37 (hg19) VCF-style: chr5-112043030-G-A.
Identifiers: ClinVar variation 639358 (VCV000639358.9), dbSNP rs1554060090, ClinGen allele CA915943563.

ClinVar aggregate classification (germline): Uncertain significance (1 of 4 stars; one submission).

Conditions:
Familial adenomatous polyposis 1 (FAP1). Also called: FAMILIAL ADENOMATOUS POLYPOSIS 1, ATTENUATED; POLYPOSIS, ADENOMATOUS INTESTINAL. Identifiers: MedGen C2713442, MONDO:0021056, OMIM 175100. Disease mechanism: loss of function.

Submission:

Labcorp Genetics (formerly Invitae), Labcorp
Classification: Uncertain significance for Familial adenomatous polyposis 1. Last evaluated: 2025-09-03. Review status: criteria provided, single submitter. Criteria: Invitae Variant Classification Sherloc (09022015). Collection method: clinical testing. Allele origin: germline.
Comment: This variant occurs in a non-coding region of the APC gene. It does not change the encoded amino acid sequence of the APC protein. This variant is not present in population databases (gnomAD no frequency). This variant has not been reported in the literature in individuals affected with APC-related conditions. ClinVar contains an entry for this variant (Variation ID: 639358). Experimental studies and prediction algorithms are not available or were not evaluated, and the functional significance of this variant is currently unknown. In summary, the available evidence is currently insufficient to determine the role of this variant in disease. Therefore, it has been classified as a Variant of Uncertain Significance.